The following is an entry in ClinVar:

ClinVar aggregate classification (germline): Uncertain significance (1 of 4 stars; one submission).

Conditions:
Neonatal-onset encephalopathy with rigidity and seizures. Also called: Lethal neonatal spasticity-epileptic encephalopathy syndrome. Identifiers: Orphanet 435845, MedGen C3281029, MONDO:0013784, OMIM 614498.

gnomAD v4.1: 4 of 1,551,862 alleles (0.00026%); highest among the groups gnomAD compares: South Asian, 0.0024%; no homozygotes.

Submission:

Labcorp Genetics (formerly Invitae), Labcorp
Classification: Uncertain significance for Neonatal-onset encephalopathy with rigidity and seizures. Last evaluated: 2022-07-05. Review status: criteria provided, single submitter. Criteria: Invitae Variant Classification Sherloc (09022015). Collection method: clinical testing. Allele origin: germline.
Comment: In summary, the available evidence is currently insufficient to determine the role of this variant in disease. Therefore, it has been classified as a Variant of Uncertain Significance. Algorithms developed to predict the effect of missense changes on protein structure and function output the following: SIFT: "Tolerated"; PolyPhen-2: "Benign"; Align-GVGD: "Class C15". The cysteine amino acid residue is found in multiple mammalian species, which suggests that this missense change does not adversely affect protein function. ClinVar contains an entry for this variant (Variation ID: 1525515). This variant has not been reported in the literature in individuals affected with BRAT1-related conditions. The frequency data for this variant in the population databases is considered unreliable, as metrics indicate poor data quality at this position in the gnomAD database. This sequence change replaces arginine, which is basic and polar, with cysteine, which is neutral and slightly polar, at codon 138 of the BRAT1 protein (p.Arg138Cys).

NM_152743.4(BRAT1):c.412C>T (p.Arg138Cys)

Gene: BRAT1 (BRCA1 associated ATM activator 1; minus strand). Cytogenetic location: 7p22.3.
Variant type: single nucleotide variant.
Coding change: c.412C>T on transcript NM_152743.4 (MANE Select); coding-DNA position 412, C replaced by T.
Protein change: p.Arg138Cys; replaces arginine 138 with cysteine.
Molecular consequence: missense variant. On other transcripts: non-coding transcript variant (1), intron variant (1).
Genome position (GRCh38, 1-based): chr7:2,544,927, G>A on the plus strand (C>T on the coding strand, the complement: BRAT1 is on the minus strand). VCF-style: chr7-2544927-G-A. GRCh37 (hg19) VCF-style: chr7-2584561-G-A.
Other names: c.412C>T, p.Arg138Cys (NM_001350626.2); c.-95-965C>T (NM_001350627.2); short protein forms R138C.
Identifiers: ClinVar variation 1525515 (VCV001525515.7), dbSNP rs1486373355, ClinGen allele CA366632783.